The following is an entry in ClinVar:

ClinVar aggregate classification (germline): Uncertain significance (1 of 4 stars; one submission).

Submission:

GeneDx
Classification: Uncertain significance. Last evaluated: 2025-06-22. Review status: criteria provided, single submitter. Criteria: GeneDx Variant Classification Process June 2021. Collection method: clinical testing. Allele origin: germline. Affected: yes.
Comment: Not observed at significant frequency in large population cohorts (gnomAD); In silico analysis supports a deleterious effect on splicing; Has not been previously published as pathogenic or benign to our knowledge

NM_001395159.1(UNC79):c.6236+5G>A

Gene: UNC79 (unc-79 subunit of NALCN channel complex; plus strand). Cytogenetic location: 14q32.12.
Variant type: single nucleotide variant.
Coding change: c.6236+5G>A on transcript NM_001395159.1 (MANE Select); 5 bases into the intron after coding-DNA position 6236, G replaced by A.
Molecular consequence: intron variant.
Genome position (GRCh38, 1-based): chr14:93,641,252, G>A. VCF-style: chr14-93641252-G-A. GRCh37 (hg19) VCF-style: chr14-94107598-G-A.
Other names: c.5489+5G>A (NM_020818.5); c.6170+5G>A (NM_001346218.2).
Identifiers: ClinVar variation 4540082 (VCV004540082.1).